The following is an entry in ClinVar:

ClinVar aggregate classification (germline): Uncertain significance. Review status: criteria provided, multiple submitters, no conflicts (2 of 4 stars). 2 submissions from 2 submitters: Uncertain significance (2). Last evaluated 2024-11-11.

Conditions:
Primary ciliary dyskinesia. Also called: Ciliary dyskinesia. Identifiers: Orphanet 244, MedGen C0008780, MONDO:0016575, HP:0012265.
Primary ciliary dyskinesia 6. Also called: Primary Ciliary Dyskinesia 6: TXNDC3-Related Primary Ciliary Dyskinesia. Identifiers: Orphanet 244, MedGen C1970506, MONDO:0012571, OMIM 610852.

Allele frequency attached by ClinVar (database versions not stated): ExAC 0.00001; gnomAD 0.00001; gnomAD exomes 0.00001.
gnomAD v4.1: 9 of 1,613,532 alleles (0.00056%); highest among the groups gnomAD compares: South Asian, 0.0088%; no homozygotes.

Submissions (2):

Ambry Genetics
Classification: Uncertain significance for Primary ciliary dyskinesia. Last evaluated: 2024-11-11. Review status: criteria provided, single submitter. Criteria: Ambry Variant Classification Scheme 2023. Collection method: clinical testing. Allele origin: germline.

Labcorp Genetics (formerly Invitae), Labcorp
Classification: Uncertain significance for Primary ciliary dyskinesia 6. Last evaluated: 2022-06-18. Review status: criteria provided, single submitter. Criteria: Invitae Variant Classification Sherloc (09022015). Collection method: clinical testing. Allele origin: germline.
Comment: In summary, the available evidence is currently insufficient to determine the role of this variant in disease. Therefore, it has been classified as a Variant of Uncertain Significance. Algorithms developed to predict the effect of missense changes on protein structure and function are either unavailable or do not agree on the potential impact of this missense change (SIFT: "Tolerated"; PolyPhen-2: "Possibly Damaging"; Align-GVGD: "Class C0"). This variant has not been reported in the literature in individuals affected with NME8-related conditions. This variant is present in population databases (rs779494301, gnomAD 0.01%). This sequence change replaces glutamine, which is neutral and polar, with arginine, which is basic and polar, at codon 430 of the NME8 protein (p.Gln430Arg).

NM_016616.5(NME8):c.1289A>G (p.Gln430Arg)

Gene: NME8 (NME/NM23 family member 8; plus strand). Cytogenetic location: 7p14.1.
Variant type: single nucleotide variant.
Coding change: c.1289A>G on transcript NM_016616.5 (MANE Select); coding-DNA position 1289, A replaced by G.
Protein change: p.Gln430Arg; replaces glutamine 430 with arginine.
Molecular consequence: missense variant.
Genome position (GRCh38, 1-based): chr7:37,888,318, A>G. VCF-style: chr7-37888318-A-G. GRCh37 (hg19) VCF-style: chr7-37927920-A-G.
Other names: c.1289A>G (NM_016616.4); short protein forms Q430R.
Identifiers: ClinVar variation 1980757 (VCV001980757.5), dbSNP rs779494301, ClinGen allele CA4222490.